The following is an entry in ClinVar:

ClinVar aggregate classification (germline): Benign (0 of 4 stars; one submission).

Conditions:
VAMP7-related disorder. Also called: VAMP7-related condition.

Allele frequency attached by ClinVar (database versions not stated): TOPMed 0.32074; ESP Exome Variant Server 0.32082; 1000 Genomes Project 30x 0.35484; 1000 Genomes Project 0.35497.
gnomAD v4.1: 564,180 of 1,610,568 alleles (35%); highest among the groups gnomAD compares: South Asian, 38%; 99,916 homozygotes.

Submission:

PreventionGenetics, part of Exact Sciences
Classification: Benign for VAMP7-related condition. Last evaluated: 2021-03-16. Review status: no assertion criteria provided. Collection method: clinical testing. Allele origin: germline.
Comment: This variant is classified as benign based on ACMG/AMP sequence variant interpretation guidelines (Richards et al. 2015 PMID: 25741868, with internal and published modifications).

NM_005638.6(VAMP7):c.595-10G>C

Gene: VAMP7 (vesicle associated membrane protein 7; plus strand). Cytogenetic location: Yq12.
Variant type: single nucleotide variant.
Coding change: c.595-10G>C on transcript NM_005638.6 (MANE Select); 10 bases into the intron before coding-DNA position 595, G replaced by C.
Molecular consequence: intron variant.
Genome position (GRCh38, 1-based): chrX:155,941,873, G>C. VCF-style: chrX-155941873-G-C. GRCh37 (hg19) VCF-style: chrX-155171537-G-C.
Other names: c.527-10G>C (NM_001185183.2); c.472-10G>C (NM_001145149.3).
Identifiers: ClinVar variation 3036638 (VCV003036638.2), dbSNP rs5940625, ClinGen allele CA10570021.